The following is an entry in ClinVar:

NM_001386298.1(CIC):c.94C>T (p.Arg32Ter)

Gene: CIC (capicua transcriptional repressor; plus strand). Cytogenetic location: 19q13.2.
Variant type: single nucleotide variant.
Coding change: c.94C>T on transcript NM_001386298.1 (MANE Select); coding-DNA position 94, C replaced by T.
Protein change: p.Arg32Ter; replaces arginine 32 with a stop codon.
Molecular consequence: nonsense.
Genome position (GRCh38, 1-based): chr19:42,271,877, C>T. VCF-style: chr19-42271877-C-T. GRCh37 (hg19) VCF-style: chr19-42776029-C-T.
Other names: c.94C>T, p.Arg32Ter (NM_001379483.1, NM_001304815.2, NM_001379480.1 and 1 more transcripts); short protein forms R32*.
Identifiers: ClinVar variation 3066365 (VCV003066365.1), dbSNP rs2513589983, ClinGen allele CA406078293.

ClinVar aggregate classification (germline): Uncertain significance (1 of 4 stars; one submission).

Conditions:
Intellectual developmental disorder, autosomal dominant 45. Also called: MENTAL RETARDATION, AUTOSOMAL DOMINANT 45; Intellectual disability, autosomal dominant 45. Identifiers: MedGen C4539848, MONDO:0030910, OMIM 617600.

Submission:

MVZ Medizinische Genetik Mainz
Classification: Uncertain significance for Intellectual developmental disorder, autosomal dominant 45. Last evaluated: 2023-11-10. Review status: criteria provided, single submitter. Criteria: UK Practice Guidelines For Variant Classification V4 01 2020. Collection method: clinical testing. Allele origin: germline. Inheritance: Autosomal dominant inheritance. Affected: yes. Observed: 1 variant allele.
Comment: ACMG Criteria: PVS1_STR,PM2_SUP